The following is an entry in ClinVar:

NM_021098.3(CACNA1H):c.3758G>A (p.Arg1253His)

Gene: CACNA1H (calcium voltage-gated channel subunit alpha1 H; plus strand). Cytogenetic location: 16p13.3.
Variant type: single nucleotide variant.
Coding change: c.3758G>A on transcript NM_021098.3 (MANE Select); coding-DNA position 3758, G replaced by A.
Protein change: p.Arg1253His; replaces arginine 1253 with histidine.
Molecular consequence: missense variant.
Genome position (GRCh38, 1-based): chr16:1,210,048, G>A. VCF-style: chr16-1210048-G-A. GRCh37 (hg19) VCF-style: chr16-1260048-G-A.
Other names: c.3758G>A, p.Arg1253His (NM_001005407.2); c.3758G>A (NM_021098.2); short protein forms R1253H.
Identifiers: ClinVar variation 1004965 (VCV001004965.12), dbSNP rs534632699, ClinGen allele CA7800926.

ClinVar aggregate classification (germline): Conflicting classifications of pathogenicity. Review status: criteria provided, conflicting classifications (1 of 4 stars). 4 submissions from 4 submitters: Uncertain significance (2); Benign (1); Likely benign (1). Last evaluated 2026-10-06.

Conditions:
Inborn genetic diseases. Identifiers: MedGen C0950123, MeSH D030342.
Hyperaldosteronism, familial, type IV (HALD4). Also called: FH IV; ALDOSTERONISM, PRIMARY, AND HYPERTENSION. Identifiers: Orphanet 642671, MedGen C4310756, MONDO:0014875, OMIM 617027.
Epilepsy, childhood absence, susceptibility to, 6. Identifiers: Orphanet 64280, MedGen C2749872, MONDO:0012763, OMIM 611942.
Idiopathic generalized epilepsy. Also called: EIG; Generalised epilepsy. Identifiers: MedGen C0270850, MONDO:0005579, OMIM 600669.

Allele frequency attached by ClinVar (database versions not stated): 1000 Genomes Project 0.00020; 1000 Genomes Project 30x 0.00031; ExAC 0.00016.

Submissions (4):

GeneDx
Classification: Uncertain significance. Last evaluated: 2026-10-06. Review status: criteria provided, single submitter. Criteria: GeneDx Variant Classification Process June 2021. Collection method: clinical testing. Allele origin: germline.
Comment: In silico analysis supports that this missense variant has a deleterious effect on protein structure/function; Has not been previously published as pathogenic or benign to our knowledge; This variant is associated with the following publications: (PMID: 40302475)

Labcorp Genetics (formerly Invitae), Labcorp
Classification: Benign for Idiopathic generalized epilepsy; Hyperaldosteronism, familial, type IV. Last evaluated: 2025-08-20. Review status: criteria provided, single submitter. Criteria: Invitae Variant Classification Sherloc (09022015). Collection method: clinical testing. Allele origin: germline.

Fulgent Genetics
Classification: Likely benign for Epilepsy, childhood absence, susceptibility to, 6; Hyperaldosteronism, familial, type IV. Last evaluated: 2024-06-20. Review status: criteria provided, single submitter. Criteria: ACMG Guidelines, 2015. Collection method: clinical testing. Allele origin: germline.

Ambry Genetics
Classification: Uncertain significance for Inborn genetic diseases. Last evaluated: 2024-04-24. Review status: criteria provided, single submitter. Criteria: Ambry Variant Classification Scheme 2023. Collection method: clinical testing. Allele origin: germline.